The following is an entry in ClinVar:

NM_005732.4(RAD50):c.3007C>T (p.Leu1003Phe)

Gene: RAD50 (RAD50 double strand break repair protein; plus strand). Cytogenetic location: 5q31.1.
Variant type: single nucleotide variant.
Coding change: c.3007C>T on transcript NM_005732.4 (MANE Select); coding-DNA position 3007, C replaced by T.
Protein change: p.Leu1003Phe; replaces leucine 1003 with phenylalanine.
Molecular consequence: missense variant.
Genome position (GRCh38, 1-based): chr5:132,609,367, C>T. VCF-style: chr5-132609367-C-T. GRCh37 (hg19) VCF-style: chr5-131945059-C-T.
Other names: short protein forms L1003F.
Identifiers: ClinVar variation 822567 (VCV000822567.15), dbSNP rs1581004941, ClinGen allele CA360960909.

ClinVar aggregate classification (germline): Uncertain significance. Review status: criteria provided, multiple submitters, no conflicts (2 of 4 stars). 2 submissions from 2 submitters: Uncertain significance (2). Last evaluated 2025-07-15.

Conditions:
Hereditary cancer-predisposing syndrome. Also called: Tumor predisposition; Hereditary Cancer Syndrome; Neoplastic Syndromes, Hereditary; Hereditary neoplastic syndrome. Identifiers: Orphanet 140162, MedGen C0027672, MeSH D009386, MONDO:0015356.

Allele frequency attached by ClinVar (database versions not stated): gnomAD exomes below 0.00001.
gnomAD v4.1: 3 of 1,613,802 alleles (0.00019%); highest among the groups gnomAD compares: Non-Finnish European, 0.00025%; no homozygotes.

Submissions (2):

Ambry Genetics
Classification: Uncertain significance for Hereditary cancer-predisposing syndrome. Last evaluated: 2025-07-15. Review status: criteria provided, single submitter. Criteria: Ambry Variant Classification Scheme 2023. Collection method: clinical testing. Allele origin: germline.
Comment: The p.L1003F variant (also known as c.3007C>T), located in coding exon 19 of the RAD50 gene, results from a C to T substitution at nucleotide position 3007. The leucine at codon 1003 is replaced by phenylalanine, an amino acid with highly similar properties. This amino acid position is poorly conserved in available vertebrate species. In addition, this alteration is predicted to be tolerated by in silico analysis. Since supporting evidence is limited at this time, the clinical significance of this alteration remains unclear.

Labcorp Genetics (formerly Invitae), Labcorp
Classification: Uncertain significance for Hereditary cancer-predisposing syndrome. Last evaluated: 2022-12-29. Review status: criteria provided, single submitter. Criteria: Invitae Variant Classification Sherloc (09022015). Collection method: clinical testing. Allele origin: germline.
Comment: In summary, the available evidence is currently insufficient to determine the role of this variant in disease. Therefore, it has been classified as a Variant of Uncertain Significance. Advanced modeling of protein sequence and biophysical properties (such as structural, functional, and spatial information, amino acid conservation, physicochemical variation, residue mobility, and thermodynamic stability) performed at Invitae indicates that this missense variant is not expected to disrupt RAD50 protein function. ClinVar contains an entry for this variant (Variation ID: 822567). This variant has not been reported in the literature in individuals affected with RAD50-related conditions. This variant is not present in population databases (gnomAD no frequency). This sequence change replaces leucine, which is neutral and non-polar, with phenylalanine, which is neutral and non-polar, at codon 1003 of the RAD50 protein (p.Leu1003Phe).